The following is an entry in ClinVar:

ClinVar aggregate classification (germline): Uncertain significance (1 of 4 stars; one submission).

Submission:

Ambry Genetics
Classification: Uncertain significance. Last evaluated: 2022-09-30. Review status: criteria provided, single submitter. Criteria: Ambry Variant Classification Scheme 2023. Collection method: clinical testing. Allele origin: germline.
Comment: The p.D1317N variant (also known as c.3949G>A), located in coding exon 16 of the POLQ gene, results from a G to A substitution at nucleotide position 3949. The aspartic acid at codon 1317 is replaced by asparagine, an amino acid with highly similar properties. This amino acid position is conserved. In addition, this alteration is predicted to be tolerated by in silico analysis. Since supporting evidence is limited at this time, the clinical significance of this alteration remains unclear.

NM_199420.4(POLQ):c.3949G>A (p.Asp1317Asn)

Gene: POLQ (DNA polymerase theta; minus strand). Cytogenetic location: 3q13.33.
Variant type: single nucleotide variant.
Coding change: c.3949G>A on transcript NM_199420.4 (MANE Select); coding-DNA position 3949, G replaced by A.
Protein change: p.Asp1317Asn; replaces aspartic acid 1317 with asparagine.
Molecular consequence: missense variant.
Genome position (GRCh38, 1-based): chr3:121,488,982, C>T on the plus strand (G>A on the coding strand, the complement: POLQ is on the minus strand). VCF-style: chr3-121488982-C-T. GRCh37 (hg19) VCF-style: chr3-121207829-C-T.
Other names: short protein forms D1317N.
Identifiers: ClinVar variation 1736403 (VCV001736403.2), dbSNP rs2546786626, ClinGen allele CA354096579.